The following is an entry in ClinVar:

ClinVar aggregate classification (germline): Uncertain significance. Review status: criteria provided, multiple submitters, no conflicts (2 of 4 stars). 2 submissions from 2 submitters: Uncertain significance (2). Last evaluated 2023-01-16.

Conditions:
Bethlem myopathy 1A. Also called: Bethlem myopathy 1; MYOPATHY, BENIGN CONGENITAL, WITH CONTRACTURES; Bethlem Muscular Dystrophy. Identifiers: Orphanet 610, MedGen CN029274, MONDO:0024530, OMIM 158810.

gnomAD v4.1: 5 of 1,602,786 alleles (0.00031%); highest among the groups gnomAD compares: Middle Eastern, 0.033%; no homozygotes.

Submissions (2):

Labcorp Genetics (formerly Invitae), Labcorp
Classification: Uncertain significance for Bethlem myopathy 1A. Last evaluated: 2023-01-16. Review status: criteria provided, single submitter. Criteria: Invitae Variant Classification Sherloc (09022015). Collection method: clinical testing. Allele origin: germline.
Comment: In summary, the available evidence is currently insufficient to determine the role of this variant in disease. Therefore, it has been classified as a Variant of Uncertain Significance. Advanced modeling of protein sequence and biophysical properties (such as structural, functional, and spatial information, amino acid conservation, physicochemical variation, residue mobility, and thermodynamic stability) performed at Invitae indicates that this missense variant is not expected to disrupt COL6A3 protein function. This variant has not been reported in the literature in individuals affected with COL6A3-related conditions. This variant is not present in population databases (gnomAD no frequency). This sequence change replaces serine, which is neutral and polar, with asparagine, which is neutral and polar, at codon 1422 of the COL6A3 protein (p.Ser1422Asn).

Blueprint Genetics
Classification: Uncertain significance. Last evaluated: 2022-02-08. Review status: criteria provided, single submitter. Criteria: ACMG Guidelines, 2015. Collection method: clinical testing. Allele origin: germline.

NM_004369.4(COL6A3):c.4265G>A (p.Ser1422Asn)

Gene: COL6A3 (collagen type VI alpha 3 chain; minus strand). Cytogenetic location: 2q37.3.
Variant type: single nucleotide variant.
Coding change: c.4265G>A on transcript NM_004369.4 (MANE Select); coding-DNA position 4265, G replaced by A.
Protein change: p.Ser1422Asn; replaces serine 1422 with asparagine.
Molecular consequence: missense variant.
Genome position (GRCh38, 1-based): chr2:237,371,752, C>T on the plus strand (G>A on the coding strand, the complement: COL6A3 is on the minus strand). VCF-style: chr2-237371752-C-T. GRCh37 (hg19) VCF-style: chr2-238280395-C-T.
Other names: c.3044G>A, p.Ser1015Asn (NM_057164.5); c.3647G>A, p.Ser1216Asn (NM_057165.5, NM_057167.4); c.2444G>A, p.Ser815Asn (NM_057166.5); short protein forms S1216N, S1422N, S1015N, S815N.
Identifiers: ClinVar variation 2987593 (VCV002987593.4), dbSNP rs2077692770, ClinGen allele CA351196277.